The following is an entry in ClinVar:

ClinVar aggregate classification (germline): Uncertain significance (1 of 4 stars; one submission).

gnomAD v4.1: 4 of 1,613,146 alleles (0.00025%); highest among the groups gnomAD compares: Admixed American, 0.005%; no homozygotes.

Submission:

Labcorp Genetics (formerly Invitae), Labcorp
Classification: Uncertain significance. Last evaluated: 2024-04-22. Review status: criteria provided, single submitter. Criteria: Invitae Variant Classification Sherloc (09022015). Collection method: clinical testing. Allele origin: germline.
Comment: This sequence change replaces alanine, which is neutral and non-polar, with glutamic acid, which is acidic and polar, at codon 1133 of the GRM1 protein (p.Ala1133Glu). The frequency data for this variant in the population databases is considered unreliable, as metrics indicate poor data quality at this position in the gnomAD database. This variant has not been reported in the literature in individuals affected with GRM1-related conditions. An algorithm developed to predict the effect of missense changes on protein structure and function (PolyPhen-2) suggests that this variant is likely to be tolerated. In summary, the available evidence is currently insufficient to determine the role of this variant in disease. Therefore, it has been classified as a Variant of Uncertain Significance.

NM_001278064.2(GRM1):c.3398C>A (p.Ala1133Glu)

Gene: GRM1 (glutamate metabotropic receptor 1; plus strand). Cytogenetic location: 6q24.3.
Variant type: single nucleotide variant.
Coding change: c.3398C>A on transcript NM_001278064.2 (MANE Select); coding-DNA position 3398, C replaced by A.
Protein change: p.Ala1133Glu; replaces alanine 1133 with glutamic acid.
Molecular consequence: missense variant. On other transcripts: 3 prime UTR variant (3).
Genome position (GRCh38, 1-based): chr6:146,434,609, C>A. VCF-style: chr6-146434609-C-A. GRCh37 (hg19) VCF-style: chr6-146755745-C-A.
Other names: c.*762C>A (NM_001278065.2); c.*727C>A (NM_001278066.1); c.*636C>A (NM_001278067.1); short protein forms A1133E.
Identifiers: ClinVar variation 3694104 (VCV003694104.2).